The following is an entry in ClinVar:

ClinVar aggregate classification (germline): Likely benign (1 of 4 stars; one submission).

gnomAD v4.1: 227 of 1,612,300 alleles (0.014%); highest among the groups gnomAD compares: East Asian, 0.27%; 2 homozygotes.

Submission:

CeGaT Center for Human Genetics Tuebingen
Classification: Likely benign. Last evaluated: 2026-09-01. Review status: criteria provided, single submitter. Criteria: CeGaT Center For Human Genetics Tuebingen Variant Classification Criteria Version 2. Collection method: clinical testing. Allele origin: germline. Affected: yes. Observed: 1 variant allele.
Comment: AHNAK: BP4, BP7

NM_001620.3(AHNAK):c.12438C>T (p.Asp4146=)

Gene: AHNAK (AHNAK nucleoprotein; minus strand). Cytogenetic location: 11q12.3.
Variant type: single nucleotide variant.
Coding change: c.12438C>T on transcript NM_001620.3 (MANE Select); coding-DNA position 12438, C replaced by T.
Protein change: p.Asp4146=; no amino-acid change (aspartic acid 4146 retained).
Molecular consequence: synonymous variant. On other transcripts: intron variant (1).
Genome position (GRCh38, 1-based): chr11:62,521,979, G>A on the plus strand (C>T on the coding strand, the complement: AHNAK is on the minus strand). VCF-style: chr11-62521979-G-A. GRCh37 (hg19) VCF-style: chr11-62289451-G-A.
Other names: c.12438C>T, p.Asp4146= (NM_001346445.2, NM_001346446.2); c.342+13024C>T (NM_024060.4).
Identifiers: ClinVar variation 5041060 (VCV005041060.1).